The following is an entry in ClinVar:

NM_014049.5(ACAD9):c.1675C>A (p.Arg559Ser)

Genes: ACAD9 (acyl-CoA dehydrogenase family member 9; plus strand), CFAP92 (cilia and flagella associated protein 92 (putative); minus strand). Cytogenetic location: 3q21.3.
Variant type: single nucleotide variant.
Coding change: c.1675C>A on transcript NM_014049.5 (MANE Select); coding-DNA position 1675, C replaced by A.
Protein change: p.Arg559Ser; replaces arginine 559 with serine.
Molecular consequence: missense variant. On other transcripts: non-coding transcript variant (1), 3 prime UTR variant (3).
Genome position (GRCh38, 1-based): chr3:128,910,132, C>A. VCF-style: chr3-128910132-C-A. GRCh37 (hg19) VCF-style: chr3-128628975-C-A.
Other names: p.Arg559Ser; c.1306C>A, p.Arg436Ser (NM_001410805.1); c.*167G>T (NM_001348520.2, NM_001348521.2, NM_001394090.1); short protein forms R559S, R436S.
Identifiers: ClinVar variation 343206 (VCV000343206.21), dbSNP rs138871762, ClinGen allele CA2601642.
Genomic context (GRCh38, chr3:128,910,132, plus strand): 5'-AACCTGTATGGCATGACGGCCGTGCTGTCGCGGGCCAGCCGCTCCATCCGCATTGGGCTC[C>A]GCAACCACGACCACGAGGTGAGCCCAGCCCAGCCTCACACAGGGCCTGGCTGCTGCCATC-3'
Protein context (NP_054768.2, residues 549-569): RASRSIRIGL[Arg559Ser]NHDHEVLLAN

ClinVar aggregate classification (germline): Benign/Likely benign. Review status: criteria provided, multiple submitters, no conflicts (2 of 4 stars). 6 submissions from 6 submitters: Benign (1); Likely benign (4). 1 of the submissions does not count toward it. Last evaluated 2026-01-28.

Conditions:
Acyl-CoA dehydrogenase 9 deficiency. Also called: Acyl-CoA dehydrogenase family, member 9, deficiency of; MITOCHONDRIAL COMPLEX I DEFICIENCY, NUCLEAR TYPE 20. Identifiers: Orphanet 99901, MedGen C4747517, MONDO:0012624, OMIM 611126.

Allele frequency attached by ClinVar (database versions not stated): TOPMed 0.00091; 1000 Genomes Project 30x 0.00094; 1000 Genomes Project 0.00100.
gnomAD v4.1: 430 of 1,614,056 alleles (0.027%); highest among the groups gnomAD compares: East Asian, 0.87%; 2 homozygotes.

Submissions (6):

Labcorp Genetics (formerly Invitae), Labcorp
Classification: Benign. Last evaluated: 2026-01-28. Review status: criteria provided, single submitter. Criteria: Invitae Variant Classification Sherloc (09022015). Collection method: clinical testing. Allele origin: germline.

Mayo Clinic Laboratories, Mayo Clinic
Classification: Likely benign. Last evaluated: 2025-12-08. Review status: criteria provided, single submitter. Criteria: ACMG Guidelines, 2015. Collection method: clinical testing. Allele origin: germline. Observed: 2 variant alleles.
Comment: BA1

Blueprint Genetics
Classification: Likely benign. Last evaluated: 2024-11-08. Review status: criteria provided, single submitter. Criteria: ACMG Guidelines, 2015. Collection method: clinical testing. Allele origin: germline.

GeneDx
Classification: Likely benign. Last evaluated: 2019-04-15. Review status: criteria provided, single submitter. Criteria: GeneDx Variant Classification Process June 2021. Collection method: clinical testing. Allele origin: germline. Affected: yes.

Illumina Laboratory Services, Illumina
Classification: Likely benign for Acyl-CoA dehydrogenase 9 deficiency. Last evaluated: 2018-01-12. Review status: criteria provided, single submitter. Criteria: ICSL Variant Classification Criteria 13 December 2019. Collection method: clinical testing. Allele origin: germline.
Comment: This variant was observed in the ICSL laboratory as part of a predisposition screen in an ostensibly healthy population. It had not been previously curated by ICSL or reported in the Human Gene Mutation Database (HGMD: prior to June 1st, 2018), and was therefore a candidate for classification through an automated scoring system. Utilizing variant allele frequency, disease prevalence and penetrance estimates, and inheritance mode, an automated score was calculated to assess if this variant is too frequent to cause the disease. Based on the score and internal cut-off values, a variant classified as likely benign is not then subjected to further curation. The score for this variant resulted in a classification of likely benign for this disease.

Natera, Inc.
Classification: Benign for ACAD9 deficiency. Last evaluated: 2020-04-23. Review status: no assertion criteria provided. Collection method: clinical testing. Allele origin: germline. Not counted in ClinVar's aggregate classification.